The following is an entry in ClinVar:

NM_016306.6(DNAJB11):c.101G>A (p.Arg34Gln)

Gene: DNAJB11 (DnaJ heat shock protein family (Hsp40) member B11; plus strand). Cytogenetic location: 3q27.3.
Variant type: single nucleotide variant.
Coding change: c.101G>A on transcript NM_016306.6 (MANE Select); coding-DNA position 101, G replaced by A.
Protein change: p.Arg34Gln; replaces arginine 34 with glutamine.
Molecular consequence: missense variant. On other transcripts: non-coding transcript variant (6).
Genome position (GRCh38, 1-based): chr3:186,572,127, G>A. VCF-style: chr3-186572127-G-A. GRCh37 (hg19) VCF-style: chr3-186289916-G-A.
Other names: c.101G>A, p.Arg34Gln (NM_001378451.1); short protein forms R34Q.
Identifiers: ClinVar variation 3609713 (VCV003609713.2).

ClinVar aggregate classification (germline): Uncertain significance (1 of 4 stars; one submission).

Submission:

Labcorp Genetics (formerly Invitae), Labcorp
Classification: Uncertain significance. Last evaluated: 2024-08-31. Review status: criteria provided, single submitter. Criteria: Invitae Variant Classification Sherloc (09022015). Collection method: clinical testing. Allele origin: germline.
Comment: This sequence change replaces arginine, which is basic and polar, with glutamine, which is neutral and polar, at codon 34 of the DNAJB11 protein (p.Arg34Gln). The frequency data for this variant in the population databases is considered unreliable, as metrics indicate poor data quality at this position in the gnomAD database. This variant has not been reported in the literature in individuals affected with DNAJB11-related conditions. Invitae Evidence Modeling of protein sequence and biophysical properties (such as structural, functional, and spatial information, amino acid conservation, physicochemical variation, residue mobility, and thermodynamic stability) indicates that this missense variant is not expected to disrupt DNAJB11 protein function with a negative predictive value of 80%. In summary, the available evidence is currently insufficient to determine the role of this variant in disease. Therefore, it has been classified as a Variant of Uncertain Significance.